The following is an entry in ClinVar:

NM_020778.5(ALPK3):c.137A>G (p.Glu46Gly)

Gene: ALPK3 (alpha kinase 3; plus strand). Cytogenetic location: 15q25.3.
Variant type: single nucleotide variant.
Coding change: c.137A>G on transcript NM_020778.5 (MANE Select); coding-DNA position 137, A replaced by G.
Protein change: p.Glu46Gly; replaces glutamic acid 46 with glycine.
Molecular consequence: missense variant.
Genome position (GRCh38, 1-based): chr15:84,817,589, A>G. VCF-style: chr15-84817589-A-G. GRCh37 (hg19) VCF-style: chr15-85360820-A-G.
Other names: short protein forms E46G.
Identifiers: ClinVar variation 1468465 (VCV001468465.8), dbSNP rs775198429, ClinGen allele CA273651195.
Genomic context (GRCh38, chr15:84,817,589, plus strand): 5'-ACGGCCCCGTGTGGATCCCCAGCCCAGCCAGCCGGAGCTACCTGCTCAGCGTGCGGCCCG[A>G]GACCAGGTAAGTGGCACCAAGGGGCAGGGCGGCGTCGGGCCGGCGATGCCCTGGGATCAG-3'
Protein context (NP_065829.4, residues 36-56): SRSYLLSVRP[Glu46Gly]TSLSSNRLSH

ClinVar aggregate classification (germline): Uncertain significance. Review status: criteria provided, multiple submitters, no conflicts (2 of 4 stars). 2 submissions from 2 submitters: Uncertain significance (2). Last evaluated 2025-11-22.

Conditions:
Cardiovascular phenotype. Identifiers: MedGen CN230736.

Allele frequency attached by ClinVar (database versions not stated): gnomAD exomes 0.00001; TOPMed 0.00003; gnomAD 0.00001.
gnomAD v4.1: 17 of 1,498,220 alleles (0.0011%); highest among the groups gnomAD compares: Non-Finnish European, 0.0015%; no homozygotes.

Submissions (2):

Labcorp Genetics (formerly Invitae), Labcorp
Classification: Uncertain significance. Last evaluated: 2025-11-22. Review status: criteria provided, single submitter. Criteria: Invitae Variant Classification Sherloc (09022015). Collection method: clinical testing. Allele origin: germline.
Comment: This sequence change replaces glutamic acid, which is acidic and polar, with glycine, which is neutral and non-polar, at codon 248 of the ALPK3 protein (p.Glu248Gly). This variant is not present in population databases (gnomAD no frequency). This variant has not been reported in the literature in individuals affected with ALPK3-related conditions. ClinVar contains an entry for this variant (Variation ID: 1468465). An algorithm developed to predict the effect of missense changes on protein structure and function (PolyPhen-2) suggests that this variant is likely to be disruptive. In summary, the available evidence is currently insufficient to determine the role of this variant in disease. Therefore, it has been classified as a Variant of Uncertain Significance.

Ambry Genetics
Classification: Uncertain significance for Cardiovascular phenotype. Last evaluated: 2022-02-10. Review status: criteria provided, single submitter. Criteria: Ambry Variant Classification Scheme 2023. Collection method: clinical testing. Allele origin: germline.